The following is an entry in ClinVar:

NM_000619.3(IFNG):c.*465A>T

Gene: IFNG (interferon gamma; minus strand). Cytogenetic location: 12q15.
Variant type: single nucleotide variant.
Coding change: c.*465A>T on transcript NM_000619.3 (MANE Select); 465 bases downstream of the stop codon, A replaced by T.
Molecular consequence: 3 prime UTR variant.
Genome position (GRCh38, 1-based): chr12:68,154,888, T>A on the plus strand (A>T on the coding strand, the complement: IFNG is on the minus strand). VCF-style: chr12-68154888-T-A. GRCh37 (hg19) VCF-style: chr12-68548668-T-A.
Identifiers: ClinVar variation 881295 (VCV000881295.4), dbSNP rs532081510, ClinGen allele CA238116288.

ClinVar aggregate classification (germline): Likely benign (1 of 4 stars; one submission).

Conditions:
Aplastic anemia. Identifiers: Orphanet 182040, Orphanet 88, MedGen C0002874, MONDO:0015909, OMIM 609135, HP:0001915.

Allele frequency attached by ClinVar (database versions not stated): gnomAD 0.00004 and 0.00006; TOPMed 0.00008; 1000 Genomes Project 0.00060.

Submission:

Illumina Laboratory Services, Illumina
Classification: Likely benign for Aplastic anemia. Last evaluated: 2018-01-13. Review status: criteria provided, single submitter. Criteria: ICSL Variant Classification Criteria 13 December 2019. Collection method: clinical testing. Allele origin: germline.
Comment: This variant was observed in the ICSL laboratory as part of a predisposition screen in an ostensibly healthy population. It had not been previously curated by ICSL or reported in the Human Gene Mutation Database (HGMD: prior to June 1st, 2018), and was therefore a candidate for classification through an automated scoring system. Utilizing variant allele frequency, disease prevalence and penetrance estimates, and inheritance mode, an automated score was calculated to assess if this variant is too frequent to cause the disease. Based on the score and internal cut-off values, a variant classified as likely benign is not then subjected to further curation. The score for this variant resulted in a classification of likely benign for this disease.